The following is an entry in ClinVar:

NM_002224.4(ITPR3):c.4789-9C>T

Gene: ITPR3 (inositol 1,4,5-trisphosphate receptor type 3; plus strand). Cytogenetic location: 6p21.31.
Variant type: single nucleotide variant.
Coding change: c.4789-9C>T on transcript NM_002224.4 (MANE Select); 9 bases into the intron before coding-DNA position 4789, C replaced by T.
Molecular consequence: intron variant.
Genome position (GRCh38, 1-based): chr6:33,684,011, C>T. VCF-style: chr6-33684011-C-T. GRCh37 (hg19) VCF-style: chr6-33651788-C-T.
Identifiers: ClinVar variation 3038284 (VCV003038284.2), dbSNP rs140545989, ClinGen allele CA3761342.

ClinVar aggregate classification (germline): Benign (0 of 4 stars; one submission).

Conditions:
ITPR3-related disorder. Also called: ITPR3-related condition.

Allele frequency attached by ClinVar (database versions not stated): 1000 Genomes Project 0.00799; 1000 Genomes Project 30x 0.00890; ExAC 0.01428; ESP Exome Variant Server 0.01438; TOPMed 0.01440.
gnomAD v4.1: 26,351 of 1,592,518 alleles (1.7%); highest among the groups gnomAD compares: Non-Finnish European, 1.9%; 270 homozygotes.

Submission:

PreventionGenetics, part of Exact Sciences
Classification: Benign for ITPR3-related condition. Last evaluated: 2019-02-19. Review status: no assertion criteria provided. Collection method: clinical testing. Allele origin: germline.
Comment: This variant is classified as benign based on ACMG/AMP sequence variant interpretation guidelines (Richards et al. 2015 PMID: 25741868, with internal and published modifications).